The following is an entry in ClinVar:

NM_025114.4(CEP290):c.1334_1339del (p.Leu445_Lys446del)

Gene: CEP290 (centrosomal protein 290; minus strand). Cytogenetic location: 12q21.32.
Variant type: Deletion.
Coding change: c.1334_1339del on transcript NM_025114.4 (MANE Select); coding-DNA positions 1334 to 1339, 6 bases deleted (TGAAGA; older notation c.1334_1339delTGAAGA).
Protein change: p.Leu445_Lys446del.
Molecular consequence: inframe deletion.
Genome position (GRCh38, 1-based): chr12:88,121,017-88,121,022, TCTTCA deleted on the plus strand (TGAAGA on the coding strand, the reverse complement: CEP290 is on the minus strand). VCF-style (leftmost placement, unchanged base first): chr12-88121016-CTCTTCA-C. GRCh37 (hg19) VCF-style: chr12-88514793-CTCTTCA-C.
Identifiers: ClinVar variation 1440430 (VCV001440430.6), dbSNP rs1323191320, ClinGen allele CA693042755.

ClinVar aggregate classification (germline): Uncertain significance. Review status: criteria provided, multiple submitters, no conflicts (2 of 4 stars). 2 submissions from 2 submitters: Uncertain significance (2). Last evaluated 2025-08-03.

Conditions:
Nephronophthisis. Also called: Juvenile Nephronophthisis. Identifiers: Orphanet 655, MedGen C0687120, MONDO:0019005, HP:0000090.
Joubert syndrome. Also called: Familial aplasia of the vermis; JOUBERT-BOLTSHAUSER SYNDROME. Identifiers: Orphanet 475, MedGen C5979921, MONDO:0018772.
Meckel-Gruber syndrome. Also called: DYSENCEPHALIA SPLANCHNOCYSTICA; GRUBER SYNDROME; Dysencephalia splachnocystica. Identifiers: Orphanet 564, MedGen C0265215, MONDO:0018921.
Retinitis pigmentosa (RP). Identifiers: Orphanet 791, MedGen C0035334, MeSH D012174, MONDO:0019200, OMIM 268000. Inheritance: Autosomal dominant, autosomal recessive and X linked inheritance.

Allele frequency attached by ClinVar (database versions not stated): TOPMed below 0.00001; gnomAD 0.00001.

Submissions (2):

Labcorp Genetics (formerly Invitae), Labcorp
Classification: Uncertain significance for Joubert syndrome; Meckel-Gruber syndrome; Nephronophthisis. Last evaluated: 2025-08-03. Review status: criteria provided, single submitter. Criteria: Invitae Variant Classification Sherloc (09022015). Collection method: clinical testing. Allele origin: germline.
Comment: This variant, c.1334_1339del, results in the deletion of 2 amino acid(s) of the CEP290 protein (p.Leu445_Lys446del), but otherwise preserves the integrity of the reading frame. This variant is not present in population databases (gnomAD no frequency). This variant has not been reported in the literature in individuals affected with CEP290-related conditions. ClinVar contains an entry for this variant (Variation ID: 1440430). Experimental studies and prediction algorithms are not available or were not evaluated, and the functional significance of this variant is currently unknown. In summary, the available evidence is currently insufficient to determine the role of this variant in disease. Therefore, it has been classified as a Variant of Uncertain Significance.

DNA-diagnostics Laboratory, Research Centre For Medical Genetics
Classification: Uncertain significance for Retinitis pigmentosa. Review status: criteria provided, single submitter. Criteria: ACMG Guidelines, 2015. Collection method: clinical testing. Allele origin: germline. Inheritance: Autosomal recessive inheritance. Affected: yes. Observed: 1 heterozygote.
Comment: This variant is present in population databases (gnomAD 0.0007%). This variant, c.1334_1339del, results in the deletion of 2 amino acid(s) of the CEP290 protein (p.Leu445_Lys446del), but otherwise preserves the integrity of the reading frame. Segregation analysis was not performed. In summary, the available evidence is currently insufficient to determine the role of this variant in disease. Therefore, it has been classified as a Variant of Uncertain Significance (PM2, PM4).